The following is an entry in ClinVar:

NM_198428.3(BBS9):c.702+6G>A

Gene: BBS9 (Bardet-Biedl syndrome 9; plus strand). Cytogenetic location: 7p14.3.
Variant type: single nucleotide variant.
Coding change: c.702+6G>A on transcript NM_198428.3 (MANE Select); 6 bases into the intron after coding-DNA position 702, G replaced by A.
Molecular consequence: intron variant.
Genome position (GRCh38, 1-based): chr7:33,264,380, G>A. VCF-style: chr7-33264380-G-A. GRCh37 (hg19) VCF-style: chr7-33303992-G-A.
Other names: c.702+6G>A (NM_001348036.1, NM_001362679.1, NM_001348041.4 and 5 more transcripts); c.429+6G>A (NM_001348038.3, NM_001348039.3); c.336+6G>A (NM_001348037.3, NM_001348045.3, NM_001348046.3 and 1 more transcripts); c.567+6G>A (NM_001348042.3).
Identifiers: ClinVar variation 1381734 (VCV001381734.4), dbSNP rs777329822, ClinGen allele CA4214076.

ClinVar aggregate classification (germline): Uncertain significance. Review status: criteria provided, multiple submitters, no conflicts (2 of 4 stars). 2 submissions from 2 submitters: Uncertain significance (2). Last evaluated 2021-10-29.

Conditions:
Bardet-Biedl syndrome 9 (BBS9). Identifiers: Orphanet 110, MedGen C1859567, MONDO:0014437, OMIM 615986.
Bardet-Biedl syndrome (BBS). Identifiers: Orphanet 110, MedGen C0752166, MONDO:0015229.

Allele frequency attached by ClinVar (database versions not stated): gnomAD exomes 0.00002 and 0.00003; TOPMed 0.00002; ExAC 0.00003; gnomAD 0.00003 and 0.00004.
gnomAD v4.1: 30 of 1,553,414 alleles (0.0019%); highest among the groups gnomAD compares: Admixed American, 0.0017%; no homozygotes.

Submissions (2):

Labcorp Genetics (formerly Invitae), Labcorp
Classification: Uncertain significance for Bardet-Biedl syndrome. Last evaluated: 2021-10-29. Review status: criteria provided, single submitter. Criteria: Invitae Variant Classification Sherloc (09022015). Collection method: clinical testing. Allele origin: germline.
Comment: This sequence change falls in intron 7 of the BBS9 gene. It does not directly change the encoded amino acid sequence of the BBS9 protein. It affects a nucleotide within the consensus splice site. This variant is present in population databases (rs777329822, gnomAD 0.03%). This variant has not been reported in the literature in individuals affected with BBS9-related conditions. Variants that disrupt the consensus splice site are a relatively common cause of aberrant splicing (PMID: 17576681, 9536098). Algorithms developed to predict the effect of sequence changes on RNA splicing suggest that this variant may disrupt the consensus splice site. In summary, the available evidence is currently insufficient to determine the role of this variant in disease. Therefore, it has been classified as a Variant of Uncertain Significance.

Fulgent Genetics
Classification: Uncertain significance for Bardet-Biedl syndrome 9. Last evaluated: 2021-07-19. Review status: criteria provided, single submitter. Criteria: ACMG Guidelines, 2015. Collection method: clinical testing. Allele origin: unknown.

Literature cited by the submitters: PubMed 17576681 (cited by Labcorp Genetics (formerly Invitae), Labcorp); PubMed 9536098 (cited by Labcorp Genetics (formerly Invitae), Labcorp).